The following is an entry in ClinVar:

NM_002180.3(IGHMBP2):c.1888T>C (p.Phe630Leu)

Gene: IGHMBP2 (immunoglobulin mu DNA binding protein 2; plus strand). Cytogenetic location: 11q13.3.
Variant type: single nucleotide variant.
Coding change: c.1888T>C on transcript NM_002180.3 (MANE Select); coding-DNA position 1888, T replaced by C.
Protein change: p.Phe630Leu; replaces phenylalanine 630 with leucine.
Molecular consequence: missense variant.
Genome position (GRCh38, 1-based): chr11:68,936,368, T>C. VCF-style: chr11-68936368-T-C. GRCh37 (hg19) VCF-style: chr11-68703836-T-C.
Other names: short protein forms F630L.
Identifiers: ClinVar variation 534931 (VCV000534931.8), dbSNP rs1264599893, ClinGen allele CA381651872.
Genomic context (GRCh38, chr11:68,936,368, plus strand): 5'-GTCATCTGTGACTCCCGTACTGTCAACAACCATGCATTTTTGAAGACCCTGGTGGAGTAT[T>C]TCACACAGCATGGGGAAGTACGCACGGCCTTTGAGTATCTTGACGATATTGTCCCAGAAA-3'
Protein context (NP_002171.2, residues 620-640): HAFLKTLVEY[Phe630Leu]TQHGEVRTAF

ClinVar aggregate classification (germline): Uncertain significance (1 of 4 stars; one submission).

Conditions:
Charcot-Marie-Tooth disease axonal type 2S. Also called: CHARCOT-MARIE-TOOTH NEUROPATHY, TYPE 2S; CHARCOT-MARIE-TOOTH DISEASE, AXONAL, AUTOSOMAL RECESSIVE, TYPE 2S. Identifiers: Orphanet 443073, MedGen C4015349, MONDO:0014511, OMIM 616155.
Autosomal recessive distal spinal muscular atrophy 1. Also called: HMN VI; NEURONOPATHY, SEVERE INFANTILE AXONAL, WITH RESPIRATORY FAILURE; SEVERE INFANTILE AXONAL NEUROPATHY WITH RESPIRATORY FAILURE; SPINAL MUSCULAR ATROPHY, DIAPHRAGMATIC; Spinal muscular atrophy with respiratory distress 1; NEURONOPATHY, DISTAL HEREDITARY MOTOR, HARDING TYPE VI. Identifiers: Orphanet 98920, MedGen C1858517, MONDO:0011436, OMIM 604320.

Allele frequency attached by ClinVar (database versions not stated): TOPMed below 0.00001; gnomAD 0.00001.

Submission:

Labcorp Genetics (formerly Invitae), Labcorp
Classification: Uncertain significance for Autosomal recessive distal spinal muscular atrophy 1; Charcot-Marie-Tooth disease axonal type 2S. Last evaluated: 2021-08-30. Review status: criteria provided, single submitter. Criteria: Invitae Variant Classification Sherloc (09022015). Collection method: clinical testing. Allele origin: germline.
Comment: This sequence change replaces phenylalanine with leucine at codon 630 of the IGHMBP2 protein (p.Phe630Leu). The phenylalanine residue is moderately conserved and there is a small physicochemical difference between phenylalanine and leucine. This variant is not present in population databases (ExAC no frequency). This variant has not been reported in the literature in individuals affected with IGHMBP2-related conditions. Algorithms developed to predict the effect of missense changes on protein structure and function output the following: SIFT: "Tolerated"; PolyPhen-2: "Benign"; Align-GVGD: "Class C0". The leucine amino acid residue is found in multiple mammalian species, which suggests that this missense change does not adversely affect protein function. In summary, the available evidence is currently insufficient to determine the role of this variant in disease. Therefore, it has been classified as a Variant of Uncertain Significance.